The following is an entry in ClinVar:

NM_003597.5(KLF11):c.1130C>T (p.Thr377Ile)

Gene: KLF11 (KLF transcription factor 11; plus strand). Cytogenetic location: 2p25.1.
Variant type: single nucleotide variant.
Coding change: c.1130C>T on transcript NM_003597.5 (MANE Select); coding-DNA position 1130, C replaced by T.
Protein change: p.Thr377Ile; replaces threonine 377 with isoleucine.
Molecular consequence: missense variant.
Genome position (GRCh38, 1-based): chr2:10,048,467, C>T. VCF-style: chr2-10048467-C-T. GRCh37 (hg19) VCF-style: chr2-10188594-C-T.
Other names: c.1079C>T, p.Thr360Ile (NM_001177716.2, NM_001177718.2); short protein forms T360I, T377I.
Identifiers: ClinVar variation 894381 (VCV000894381.9), dbSNP rs370236540, ClinGen allele CA1525693.
Genomic context (GRCh38, chr2:10,048,467, plus strand): 5'-ATGTCATGGCTGCCGGGAATACCAAGTTGTTGCCCCTTGCCCCTGCTCCAGTGTTCATCA[C>T]CTCTAGCCAAAACTGTGTCCCTCAGGTAGACTTTTCCCGAAGGAGGAACTATGTATGCAG-3'
Protein context (NP_003588.1, residues 367-387): LPLAPAPVFI[Thr377Ile]SSQNCVPQVD

ClinVar aggregate classification (germline): Conflicting classifications of pathogenicity. Review status: criteria provided, conflicting classifications (1 of 4 stars). 2 submissions from 2 submitters: Uncertain significance (1); Likely benign (1). Last evaluated 2021-10-05.

Conditions:
Maturity-onset diabetes of the young type 7 (MODY7). Identifiers: Orphanet 552, MedGen C1864839, MONDO:0012513, OMIM 610508.

Allele frequency attached by ClinVar (database versions not stated): TOPMed 0.00004; gnomAD 0.00005 and 0.00006; ExAC 0.00006; gnomAD exomes 0.00006 and 0.00011; ESP Exome Variant Server 0.00015.
gnomAD v4.1: 175 of 1,613,946 alleles (0.011%); highest among the groups gnomAD compares: Middle Eastern, 0.016%; no homozygotes.

Submissions (2):

Labcorp Genetics (formerly Invitae), Labcorp
Classification: Uncertain significance. Last evaluated: 2021-10-05. Review status: criteria provided, single submitter. Criteria: Invitae Variant Classification Sherloc (09022015). Collection method: clinical testing. Allele origin: germline.
Comment: In summary, the available evidence is currently insufficient to determine the role of this variant in disease. Therefore, it has been classified as a Variant of Uncertain Significance. Algorithms developed to predict the effect of missense changes on protein structure and function (SIFT, PolyPhen-2, Align-GVGD) all suggest that this variant is likely to be tolerated. ClinVar contains an entry for this variant (Variation ID: 894381). This variant has not been reported in the literature in individuals affected with KLF11-related conditions. This variant is present in population databases (rs370236540, ExAC 0.02%). This sequence change replaces threonine with isoleucine at codon 377 of the KLF11 protein (p.Thr377Ile). The threonine residue is weakly conserved and there is a moderate physicochemical difference between threonine and isoleucine.

Illumina Laboratory Services, Illumina
Classification: Likely benign for Maturity-onset diabetes of the young type 7. Last evaluated: 2018-01-13. Review status: criteria provided, single submitter. Criteria: ICSL Variant Classification Criteria 13 December 2019. Collection method: clinical testing. Allele origin: germline.
Comment: This variant was observed in the ICSL laboratory as part of a predisposition screen in an ostensibly healthy population. It had not been previously curated by ICSL or reported in the Human Gene Mutation Database (HGMD: prior to June 1st, 2018), and was therefore a candidate for classification through an automated scoring system. Utilizing variant allele frequency, disease prevalence and penetrance estimates, and inheritance mode, an automated score was calculated to assess if this variant is too frequent to cause the disease. Based on the score and internal cut-off values, a variant classified as likely benign is not then subjected to further curation. The score for this variant resulted in a classification of likely benign for this disease.